The following is an entry in ClinVar:

ClinVar aggregate classification (germline): Likely pathogenic (1 of 4 stars; one submission).

Conditions:
Rothmund-Thomson syndrome type 3. Also called: Short stature with microcephaly and distinctive facies. Identifiers: MedGen C4014339, MONDO:0014347, OMIM 615789.

Submission:

First Genomix Gene Laboratory, Genetic Diagnostics Department
Classification: Likely pathogenic for Rothmund-Thomson syndrome type 3. Last evaluated: 2025-09-19. Review status: criteria provided, single submitter. Criteria: ACMG Guidelines, 2015. Collection method: clinical testing. Allele origin: germline. Inheritance: Autosomal recessive inheritance. Affected: no. Observed: 1 variant allele.

NM_014171.6(CRIPT):c.174T>A (p.Cys58Ter)

Gene: CRIPT (CXXC repeat containing interactor of PDZ3 domain; plus strand). Cytogenetic location: 2p21.
Variant type: single nucleotide variant.
Coding change: c.174T>A on transcript NM_014171.6 (MANE Select); coding-DNA position 174, T replaced by A.
Protein change: p.Cys58Ter; replaces cysteine 58 with a stop codon.
Molecular consequence: nonsense.
Genome position (GRCh38, 1-based): chr2:46,623,800, T>A. VCF-style: chr2-46623800-T-A. GRCh37 (hg19) VCF-style: chr2-46850939-T-A.
Other names: short protein forms C58*.
Identifiers: ClinVar variation 4850400 (VCV004850400.1).
Genomic context (GRCh38, chr2:46,623,800, plus strand): 5'-TCTCTCTTTAAAAAAAATTTCTAGATTTGATCCATATGGAAAGAATAAGTTCTCCACTTG[T>A]AGAATTTGTAAAAGTTCTGTGCACCAACCAGGTTCTCATTACTGCCAGGGCTGTGCCTAC-3'